The following is an entry in ClinVar:

ClinVar aggregate classification (germline): Uncertain significance. Review status: criteria provided, multiple submitters, no conflicts (2 of 4 stars). 4 submissions from 4 submitters: Uncertain significance (3). 1 of the submissions does not count toward it. Last evaluated 2025-07-10.

Conditions:
Isolated focal cortical dysplasia type II (FCORD2). Also called: CORTICAL DYSPLASIA OF TAYLOR; Focal cortical dysplasia type II. Identifiers: Orphanet 268994, MedGen C1846385, MONDO:0011818, OMIM 607341, HP:0032051.
Tuberous sclerosis 2 (TSC2). Identifiers: Orphanet 805, MedGen C1860707, MONDO:0013199, OMIM 613254.
Lymphangiomyomatosis (LAM). Also called: Lymphangioleiomyomatosis; Lymphangioleiomyomatosis, somatic. Identifiers: Orphanet 538, MedGen C0751674, MONDO:0011705, OMIM 606690.
Hereditary cancer-predisposing syndrome. Also called: Tumor predisposition; Hereditary Cancer Syndrome; Neoplastic Syndromes, Hereditary; Hereditary neoplastic syndrome. Identifiers: Orphanet 140162, MedGen C0027672, MeSH D009386, MONDO:0015356.
Tuberous sclerosis syndrome (TSC). Also called: Tuberous Sclerosis Complex; Tuberous sclerosis. Identifiers: Orphanet 805, MedGen C0041341, MONDO:0001734.

Submissions (4):

Ambry Genetics
Classification: Uncertain significance for Hereditary cancer-predisposing syndrome. Last evaluated: 2025-07-10. Review status: criteria provided, single submitter. Criteria: Ambry Variant Classification Scheme 2023. Collection method: clinical testing. Allele origin: germline.
Comment: The p.A772E variant (also known as c.2315C>A), located in coding exon 20 of the TSC2 gene, results from a C to A substitution at nucleotide position 2315. The alanine at codon 772 is replaced by glutamic acid, an amino acid with dissimilar properties. In an assay testing TSC2 function, this variant showed a functionally normal result (Hoogeveen-Westerveld M et al. Hum Mutat, 2013 Jan;34:167-75). This amino acid position is highly conserved in available vertebrate species. In addition, this alteration is predicted to be deleterious by in silico analysis. Based on the available evidence, the clinical significance of this variant remains unclear.

Fulgent Genetics
Classification: Uncertain significance for Lymphangiomyomatosis; Isolated focal cortical dysplasia type II; Tuberous sclerosis 2. Last evaluated: 2024-05-15. Review status: criteria provided, single submitter. Criteria: ACMG Guidelines, 2015. Collection method: clinical testing. Allele origin: germline.

Labcorp Genetics (formerly Invitae), Labcorp
Classification: Uncertain significance for Tuberous sclerosis 2. Last evaluated: 2023-05-23. Review status: criteria provided, single submitter. Criteria: Invitae Variant Classification Sherloc (09022015). Collection method: clinical testing. Allele origin: germline.
Comment: In summary, the available evidence is currently insufficient to determine the role of this variant in disease. Therefore, it has been classified as a Variant of Uncertain Significance. Experimental studies have shown that this missense change does not substantially affect TSC2 function (PMID: 22903760). Advanced modeling of protein sequence and biophysical properties (such as structural, functional, and spatial information, amino acid conservation, physicochemical variation, residue mobility, and thermodynamic stability) performed at Invitae indicates that this missense variant is not expected to disrupt TSC2 protein function. ClinVar contains an entry for this variant (Variation ID: 64979). This missense change has been observed in individual(s) with clinical features of TSC2-related conditions (PMID: 22903760). This variant is not present in population databases (gnomAD no frequency). This sequence change replaces alanine, which is neutral and non-polar, with glutamic acid, which is acidic and polar, at codon 772 of the TSC2 protein (p.Ala772Glu).

Tuberous sclerosis database (TSC2)
No classification provided. Condition: TSC. Review status: no classification provided. Criteria: Tuberous Sclerosis Database Assertion Criteria 2015. Collection method: curation. Allele origin: germline. Affected: yes. Not counted in ClinVar's aggregate classification.

Literature cited by the submitters: PubMed 22903760 (cited by Ambry Genetics and Labcorp Genetics (formerly Invitae), Labcorp).

NM_000548.5(TSC2):c.2315C>A (p.Ala772Glu)

Gene: TSC2 (TSC complex subunit 2; plus strand). Cytogenetic location: 16p13.3.
Variant type: single nucleotide variant.
Coding change: c.2315C>A on transcript NM_000548.5 (MANE Select); coding-DNA position 2315, C replaced by A.
Protein change: p.Ala772Glu; replaces alanine 772 with glutamic acid.
Molecular consequence: missense variant.
Genome position (GRCh38, 1-based): chr16:2,072,943, C>A. VCF-style: chr16-2072943-C-A. GRCh37 (hg19) VCF-style: chr16-2122944-C-A.
Other names: c.2315C>A, p.Ala772Glu (NM_001077183.3, NM_001114382.3, NM_001363528.2 and 3 more transcripts); c.2204C>A, p.Ala735Glu (NM_001318827.2); c.2168C>A, p.Ala723Glu (NM_001318829.2); c.1715C>A, p.Ala572Glu (NM_001318831.2); c.2348C>A, p.Ala783Glu (NM_001318832.2); short protein forms A772E, A735E, A572E, A783E, A723E.
Identifiers: ClinVar variation 64979 (VCV000064979.9), dbSNP rs397514984, ClinGen allele CA017172.